The following is an entry in ClinVar:

NM_000360.4(TH):c.931A>G (p.Thr311Ala)

Gene: TH (tyrosine hydroxylase; minus strand). Cytogenetic location: 11p15.5.
Variant type: single nucleotide variant.
Coding change: c.931A>G on transcript NM_000360.4 (MANE Select); coding-DNA position 931, A replaced by G.
Protein change: p.Thr311Ala; replaces threonine 311 with alanine.
Molecular consequence: missense variant.
Genome position (GRCh38, 1-based): chr11:2,166,679, T>C on the plus strand (A>G on the coding strand, the complement: TH is on the minus strand). VCF-style: chr11-2166679-T-C. GRCh37 (hg19) VCF-style: chr11-2187909-T-C.
Other names: c.1024A>G, p.Thr342Ala (NM_199292.3); c.1012A>G, p.Thr338Ala (NM_199293.3); short protein forms T311A, T338A, T342A.
Identifiers: ClinVar variation 1009280 (VCV001009280.6), dbSNP rs1016513333, ClinGen allele CA216284979.

ClinVar aggregate classification (germline): Uncertain significance. Review status: criteria provided, single submitter (1 of 4 stars). 2 submissions from 2 submitters: Uncertain significance (1). 1 of the submissions does not count toward it. Last evaluated 2022-07-19.

Conditions:
TH-deficient dopa-responsive dystonia. Also called: DYT-TH; Tyrosine Hydroxylase-Deficient Dopa-Responsive Dystonia; Segawa syndrome, autosomal recessive. Identifiers: Orphanet 101150, MedGen C2673535, MONDO:0011551, OMIM 605407.

Allele frequency attached by ClinVar (database versions not stated): gnomAD 0.00003 and 0.00004; TOPMed 0.00005; gnomAD exomes 0.00001.
gnomAD v4.1: 6 of 1,565,530 alleles (0.00038%); highest among the groups gnomAD compares: African/African-American, 0.0081%; no homozygotes.

Submissions (2):

Labcorp Genetics (formerly Invitae), Labcorp
Classification: Uncertain significance for TH-deficient dopa-responsive dystonia. Last evaluated: 2022-07-19. Review status: criteria provided, single submitter. Criteria: Invitae Variant Classification Sherloc (09022015). Collection method: clinical testing. Allele origin: germline.
Comment: This sequence change replaces threonine, which is neutral and polar, with alanine, which is neutral and non-polar, at codon 342 of the TH protein (p.Thr342Ala). The frequency data for this variant in the population databases is considered unreliable, as metrics indicate poor data quality at this position in the gnomAD database. This variant has not been reported in the literature in individuals affected with TH-related conditions. ClinVar contains an entry for this variant (Variation ID: 1009280). Advanced modeling of protein sequence and biophysical properties (such as structural, functional, and spatial information, amino acid conservation, physicochemical variation, residue mobility, and thermodynamic stability) performed at Invitae indicates that this missense variant is expected to disrupt TH protein function. In summary, the available evidence is currently insufficient to determine the role of this variant in disease. Therefore, it has been classified as a Variant of Uncertain Significance.

Natera, Inc.
Classification: Uncertain significance for Autosomal recessive Segawa syndrome. Last evaluated: 2020-02-13. Review status: no assertion criteria provided. Collection method: clinical testing. Allele origin: germline. Not counted in ClinVar's aggregate classification.